The following is an entry in ClinVar:

NM_020822.3(KCNT1):c.2280C>G (p.Ile760Met)

Gene: KCNT1 (potassium sodium-activated channel subfamily T member 1; plus strand). Cytogenetic location: 9q34.3.
Variant type: single nucleotide variant.
Coding change: c.2280C>G on transcript NM_020822.3 (MANE Select); coding-DNA position 2280, C replaced by G.
Protein change: p.Ile760Met; replaces isoleucine 760 with methionine.
Molecular consequence: missense variant.
Genome position (GRCh38, 1-based): chr9:135,775,346, C>G. VCF-style: chr9-135775346-C-G. GRCh37 (hg19) VCF-style: chr9-138667192-C-G.
Other names: c.2145C>G, p.Ile715Met (NM_001272003.2); short protein forms I760M, I715M.
Identifiers: ClinVar variation 39596 (VCV000039596.45), dbSNP rs370521183, ClinGen allele CA130395.
Genomic context (GRCh38, chr9:135,775,346, plus strand): 5'-GAGGGCTCCTGTCTCCTGCCCCAGGTATGTGAAGGGCTACCCTCCCAACTCGCCCTACAT[C>G]GGCAGCTCCCCAACCCTGTGCCACCTCCTGCCTGTGAAAGCCCCCTTCTGCTGCCTGCGG-3'
Protein context (NP_065873.2, residues 750-770): VKGYPPNSPY[Ile760Met]GSSPTLCHLL

ClinVar aggregate classification (germline): Pathogenic. Review status: criteria provided, multiple submitters, no conflicts (2 of 4 stars). 3 submissions from 3 submitters: Pathogenic (2). 1 of the submissions does not count toward it. Last evaluated 2024-07-15.

Conditions:
Developmental and epileptic encephalopathy, 14 (DEE14). Also called: Early infantile epileptic encephalopathy 14. Identifiers: Orphanet 293181, MedGen C3554195, MONDO:0013989, OMIM 614959.

Submissions (3):

GeneDx
Classification: Pathogenic. Last evaluated: 2024-07-15. Review status: criteria provided, single submitter. Criteria: GeneDx Variant Classification Process June 2021. Collection method: clinical testing. Allele origin: germline. Affected: yes.
Comment: Published functional studies demonstrate gain of function effects across multiple channel properties (PMID: 37177976); Not observed at significant frequency in large population cohorts (gnomAD); In silico analysis supports that this missense variant has a deleterious effect on protein structure/function; This variant is associated with the following publications: (PMID: 23086397, 33057194, 35982159, 34114611, 37177976, 32593896, 31532509)

CeGaT Center for Human Genetics Tuebingen
Classification: Pathogenic. Last evaluated: 2020-03-01. Review status: criteria provided, single submitter. Criteria: CeGaT Center For Human Genetics Tuebingen Variant Classification Criteria Version 2. Collection method: clinical testing. Allele origin: germline. Affected: yes. Observed: 4 variant alleles.

OMIM
Classification: Pathogenic for DEVELOPMENTAL AND EPILEPTIC ENCEPHALOPATHY 14. Last evaluated: 2012-11-01. Review status: no assertion criteria provided. Collection method: literature only. Allele origin: germline. Not counted in ClinVar's aggregate classification.

Literature cited by the submitters: PubMed 23086397 (cited by OMIM).